The following is an entry in ClinVar:

NM_130466.4(UBE3B):c.448-2A>G

Gene: UBE3B (ubiquitin protein ligase E3B; plus strand). Cytogenetic location: 12q24.11.
Variant type: single nucleotide variant.
Coding change: c.448-2A>G on transcript NM_130466.4 (MANE Select); the canonical splice acceptor site of the intron before coding-DNA position 448, A replaced by G.
Molecular consequence: splice acceptor variant.
Genome position (GRCh38, 1-based): chr12:109,488,570, A>G. VCF-style: chr12-109488570-A-G. GRCh37 (hg19) VCF-style: chr12-109926375-A-G.
Other names: c.448-2A>G (NM_183415.3, NM_001270449.2, NM_001270451.2 and 1 more transcripts).
Identifiers: ClinVar variation 4883271 (VCV004883271.2).

ClinVar aggregate classification (germline): Likely pathogenic (1 of 4 stars; one submission).

Submission:

Dasa
Classification: Likely pathogenic. Last evaluated: 2025-11-11. Review status: criteria provided, single submitter. Criteria: DASA Assertion Criteria. Collection method: clinical testing. Allele origin: germline.
Comment: NM_130466.4(UBE3B):c.448-2A>G affects a canonical splice site and is predicted to disrupt normal RNA splicing. Loss of function is an established disease mechanism for UBE3B-associated disorders. Also, this variant is rare in population databases. Based on the currently available evidence, this variant is classified as likely pathogenic.